The following is an entry in ClinVar:

NM_006059.4(LAMC3):c.226C>A (p.Arg76Ser)

Gene: LAMC3 (laminin subunit gamma 3; plus strand). Cytogenetic location: 9q34.12.
Variant type: single nucleotide variant.
Coding change: c.226C>A on transcript NM_006059.4 (MANE Select); coding-DNA position 226, C replaced by A.
Protein change: p.Arg76Ser; replaces arginine 76 with serine.
Molecular consequence: missense variant.
Genome position (GRCh38, 1-based): chr9:131,009,440, C>A. VCF-style: chr9-131009440-C-A. GRCh37 (hg19) VCF-style: chr9-133884827-C-A.
Other names: short protein forms R76S.
Identifiers: ClinVar variation 1955545 (VCV001955545.5), dbSNP rs1347242497, ClinGen allele CA375250643.

ClinVar aggregate classification (germline): Uncertain significance (1 of 4 stars; one submission).

gnomAD v4.1: 2 of 1,545,242 alleles (0.00013%); highest among the groups gnomAD compares: East Asian, 0.0025%; no homozygotes.

Submission:

Labcorp Genetics (formerly Invitae), Labcorp
Classification: Uncertain significance. Last evaluated: 2023-10-06. Review status: criteria provided, single submitter. Criteria: Invitae Variant Classification Sherloc (09022015). Collection method: clinical testing. Allele origin: germline.
Comment: This sequence change replaces arginine, which is basic and polar, with serine, which is neutral and polar, at codon 76 of the LAMC3 protein (p.Arg76Ser). The frequency data for this variant in the population databases is considered unreliable, as metrics indicate poor data quality at this position in the gnomAD database. This variant has not been reported in the literature in individuals affected with LAMC3-related conditions. ClinVar contains an entry for this variant (Variation ID: 1955545). An algorithm developed to predict the effect of missense changes on protein structure and function (PolyPhen-2) suggests that this variant is likely to be disruptive. In summary, the available evidence is currently insufficient to determine the role of this variant in disease. Therefore, it has been classified as a Variant of Uncertain Significance.